The following is an entry in ClinVar:

NM_024854.5(PYROXD1):c.479T>C (p.Leu160Pro)

Gene: PYROXD1 (pyridine nucleotide-disulphide oxidoreductase domain 1; plus strand). Cytogenetic location: 12p12.1.
Variant type: single nucleotide variant.
Coding change: c.479T>C on transcript NM_024854.5 (MANE Select); coding-DNA position 479, T replaced by C.
Protein change: p.Leu160Pro; replaces leucine 160 with proline.
Molecular consequence: missense variant. On other transcripts: intron variant (1).
Genome position (GRCh38, 1-based): chr12:21,452,145, T>C. VCF-style: chr12-21452145-T-C. GRCh37 (hg19) VCF-style: chr12-21605079-T-C.
Other names: c.266T>C, p.Leu89Pro (NM_001350912.2); c.-290+2454T>C (NM_001350913.2); short protein forms L160P, L89P.
Identifiers: ClinVar variation 2006948 (VCV002006948.4), dbSNP rs2540248586, ClinGen allele CA384107428.
Genomic context (GRCh38, chr12:21,452,145, plus strand): 5'-TTCAGAAACAGCTTACTAAAGCTAAAAGAATAATGATCATAGGGAACGGTGGTATTGCAC[T>C]TGAGTTAGTGTAAGTATATATTTTTAAATATGATAACATTTAAATTGTTTAAAAATAATT-3'
Protein context (NP_079130.2, residues 150-170): IMIIGNGGIA[Leu160Pro]ELVYEIEGCE

ClinVar aggregate classification (germline): Uncertain significance (1 of 4 stars; one submission).

Submission:

Labcorp Genetics (formerly Invitae), Labcorp
Classification: Uncertain significance. Last evaluated: 2024-10-24. Review status: criteria provided, single submitter. Criteria: Invitae Variant Classification Sherloc (09022015). Collection method: clinical testing. Allele origin: germline.
Comment: This sequence change replaces leucine, which is neutral and non-polar, with proline, which is neutral and non-polar, at codon 160 of the PYROXD1 protein (p.Leu160Pro). This variant is not present in population databases (gnomAD no frequency). This variant has not been reported in the literature in individuals affected with PYROXD1-related conditions. ClinVar contains an entry for this variant (Variation ID: 2006948). Invitae Evidence Modeling of protein sequence and biophysical properties (such as structural, functional, and spatial information, amino acid conservation, physicochemical variation, residue mobility, and thermodynamic stability) indicates that this missense variant is expected to disrupt PYROXD1 protein function with a positive predictive value of 80%. In summary, the available evidence is currently insufficient to determine the role of this variant in disease. Therefore, it has been classified as a Variant of Uncertain Significance.